The following is an entry in ClinVar:

NM_014159.7(SETD2):c.6257C>T (p.Ser2086Phe)

Gene: SETD2 (SET domain containing 2, histone lysine methyltransferase; minus strand). Cytogenetic location: 3p21.31.
Variant type: single nucleotide variant.
Coding change: c.6257C>T on transcript NM_014159.7 (MANE Select); coding-DNA position 6257, C replaced by T.
Protein change: p.Ser2086Phe; replaces serine 2086 with phenylalanine.
Molecular consequence: missense variant. On other transcripts: non-coding transcript variant (1).
Genome position (GRCh38, 1-based): chr3:47,062,199, G>A on the plus strand (C>T on the coding strand, the complement: SETD2 is on the minus strand). VCF-style: chr3-47062199-G-A. GRCh37 (hg19) VCF-style: chr3-47103689-G-A.
Other names: c.6125C>T, p.Ser2042Phe (NM_001349370.3); short protein forms S2042F, S2086F.
Identifiers: ClinVar variation 1052591 (VCV001052591.5), dbSNP rs763860515, ClinGen allele CA2362738.

ClinVar aggregate classification (germline): Uncertain significance (1 of 4 stars; one submission).

Conditions:
Luscan-Lumish syndrome. Identifiers: Orphanet 597738, MedGen C4085873, MONDO:0014791, OMIM 616831.

Allele frequency attached by ClinVar (database versions not stated): ExAC 0.00001; TOPMed 0.00001; gnomAD exomes 0.00002.

Submission:

Labcorp Genetics (formerly Invitae), Labcorp
Classification: Uncertain significance for Luscan-Lumish syndrome. Last evaluated: 2020-10-29. Review status: criteria provided, single submitter. Criteria: Invitae Variant Classification Sherloc (09022015). Collection method: clinical testing. Allele origin: germline.
Comment: In summary, the available evidence is currently insufficient to determine the role of this variant in disease. Therefore, it has been classified as a Variant of Uncertain Significance. Algorithms developed to predict the effect of missense changes on protein structure and function are either unavailable or do not agree on the potential impact of this missense change (SIFT: "Deleterious"; PolyPhen-2: "Probably Damaging"; Align-GVGD: "Class C0"). This variant has not been reported in the literature in individuals with SETD2-related conditions. This variant is present in population databases (rs763860515, ExAC 0.009%). This sequence change replaces serine with phenylalanine at codon 2086 of the SETD2 protein (p.Ser2086Phe). The serine residue is moderately conserved and there is a large physicochemical difference between serine and phenylalanine.